The following is an entry in ClinVar:

NM_006506.5(RASA2):c.1966A>G (p.Asn656Asp)

Gene: RASA2 (RAS p21 protein activator 2; plus strand). Cytogenetic location: 3q23.
Variant type: single nucleotide variant.
Coding change: c.1966A>G on transcript NM_006506.5 (MANE Select); coding-DNA position 1966, A replaced by G.
Protein change: p.Asn656Asp; replaces asparagine 656 with aspartic acid.
Molecular consequence: missense variant.
Genome position (GRCh38, 1-based): chr3:141,607,710, A>G. VCF-style: chr3-141607710-A-G. GRCh37 (hg19) VCF-style: chr3-141326552-A-G.
Other names: c.1969A>G, p.Asn657Asp (NM_001303245.3); c.1978A>G, p.Asn660Asp (NM_001303246.3); short protein forms N656D, N657D, N660D.
Identifiers: ClinVar variation 1783521 (VCV001783521.7), dbSNP rs759597548, ClinGen allele CA2645696.

ClinVar aggregate classification (germline): Uncertain significance. Review status: criteria provided, multiple submitters, no conflicts (2 of 4 stars). 2 submissions from 2 submitters: Uncertain significance (2). Last evaluated 2026-01-15.

Allele frequency attached by ClinVar (database versions not stated): gnomAD 0.00002; TOPMed 0.00002; ExAC 0.00001; gnomAD exomes 0.00005.
gnomAD v4.1: 74 of 1,599,636 alleles (0.0046%); highest among the groups gnomAD compares: Non-Finnish European, 0.0061%; no homozygotes.

Submissions (2):

Labcorp Genetics (formerly Invitae), Labcorp
Classification: Uncertain significance. Last evaluated: 2026-01-15. Review status: criteria provided, single submitter. Criteria: Invitae Variant Classification Sherloc (09022015). Collection method: clinical testing. Allele origin: germline.
Comment: This sequence change replaces asparagine, which is neutral and polar, with aspartic acid, which is acidic and polar, at codon 656 of the RASA2 protein (p.Asn656Asp). This variant is present in population databases (rs759597548, gnomAD 0.003%). This variant has not been reported in the literature in individuals affected with RASA2-related conditions. ClinVar contains an entry for this variant (Variation ID: 1783521). Invitae Evidence Modeling of protein sequence and biophysical properties (such as structural, functional, and spatial information, amino acid conservation, physicochemical variation, residue mobility, and thermodynamic stability) indicates that this missense variant is not expected to disrupt RASA2 protein function with a negative predictive value of 80%. In summary, the available evidence is currently insufficient to determine the role of this variant in disease. Therefore, it has been classified as a Variant of Uncertain Significance.

Ambry Genetics
Classification: Uncertain significance. Last evaluated: 2025-08-13. Review status: criteria provided, single submitter. Criteria: Ambry Variant Classification Scheme 2023. Collection method: clinical testing. Allele origin: germline.